The following is an entry in ClinVar:

ClinVar aggregate classification (germline): Uncertain significance (1 of 4 stars; one submission).

Conditions:
Metachromatic leukodystrophy (MLD). Also called: Cerebral sclerosis diffuse metachromatic form; Arylsulfatase A Deficiency; METACHROMATIC LEUKOENCEPHALOPATHY; SULFATIDE LIPIDOSIS; ARSA DEFICIENCY; CEREBROSIDE SULFATASE DEFICIENCY. Identifiers: Orphanet 512, MedGen C0023522, MONDO:0018868, OMIM 250100.

Submission:

Neuberg Centre For Genomic Medicine, NCGM
Classification: Uncertain significance for Metachromatic leukodystrophy. Review status: criteria provided, single submitter. Criteria: ACMG Guidelines, 2015. Collection method: clinical testing. Allele origin: germline. Inheritance: Autosomal recessive inheritance. Affected: yes.
Comment: The missense c.1163T>A (p.Val388Asp) variant in ARSA gene has not been reported previously as a pathogenic variant nor as a benign variant, to our knowledge. The p.Val388Asp variant is novel (not in any individuals) in gnomAD Exomes and 1000 Genomes.The amino acid Val at position 388 is changed to a Asp changing protein sequence and it might alter its composition and physico-chemical properties. The amino acid change p.Val388Asp in ARSA is predicted as conserved by GERP++ and PhyloP across 100 vertebrates. For these reasons, this variant has been classified as Uncertain significance.

NM_000487.6(ARSA):c.1163T>A (p.Val388Asp)

Gene: ARSA (arylsulfatase A; minus strand). Cytogenetic location: 22q13.33.
Variant type: single nucleotide variant.
Coding change: c.1163T>A on transcript NM_000487.6 (MANE Select); coding-DNA position 1163, T replaced by A.
Protein change: p.Val388Asp; replaces valine 388 with aspartic acid.
Molecular consequence: missense variant.
Genome position (GRCh38, 1-based): chr22:50,625,626, A>T on the plus strand (T>A on the coding strand, the complement: ARSA is on the minus strand). VCF-style: chr22-50625626-A-T. GRCh37 (hg19) VCF-style: chr22-51064054-A-T.
Other names: c.1163T>A, p.Val388Asp (NM_001085425.3, NM_001085426.3, NM_001085427.3); c.905T>A, p.Val302Asp (NM_001085428.3, NM_001362782.2); short protein forms V302D, V388D.
Identifiers: ClinVar variation 2585004 (VCV002585004.1), dbSNP rs2518323765, ClinGen allele CA412170139.